The following is an entry in ClinVar:

ClinVar aggregate classification (germline): Uncertain significance. Review status: criteria provided, multiple submitters, no conflicts (2 of 4 stars). 2 submissions from 2 submitters: Uncertain significance (2). Last evaluated 2025-05-11.

Conditions:
Neuroblastoma, susceptibility to, 3. Also called: ALK-Related Neuroblastic Tumor Susceptibility. Identifiers: Orphanet 635, MedGen C2751681, MONDO:0013083, OMIM 613014.
Hereditary cancer-predisposing syndrome. Also called: Neoplastic Syndromes, Hereditary; Hereditary neoplastic syndrome; Hereditary Cancer Syndrome; Tumor predisposition. Identifiers: Orphanet 140162, MedGen C0027672, MeSH D009386, MONDO:0015356.

Submissions (2):

Ambry Genetics
Classification: Uncertain significance for Hereditary cancer-predisposing syndrome. Last evaluated: 2025-05-11. Review status: criteria provided, single submitter. Criteria: Ambry Variant Classification Scheme 2023. Collection method: clinical testing. Allele origin: germline.
Comment: The p.S1034W variant (also known as c.3101C>G), located in coding exon 19 of the ALK gene, results from a C to G substitution at nucleotide position 3101. The serine at codon 1034 is replaced by tryptophan, an amino acid with highly dissimilar properties. This amino acid position is conserved. In addition, the in silico prediction for this alteration is inconclusive. Since supporting evidence is limited at this time, the clinical significance of this alteration remains unclear.

Labcorp Genetics (formerly Invitae), Labcorp
Classification: Uncertain significance for Neuroblastoma, susceptibility to, 3. Last evaluated: 2024-04-15. Review status: criteria provided, single submitter. Criteria: Invitae Variant Classification Sherloc (09022015). Collection method: clinical testing. Allele origin: germline.
Comment: This sequence change replaces serine, which is neutral and polar, with tryptophan, which is neutral and slightly polar, at codon 1034 of the ALK protein (p.Ser1034Trp). This variant is not present in population databases (gnomAD no frequency). This variant has not been reported in the literature in individuals affected with ALK-related conditions. ClinVar contains an entry for this variant (Variation ID: 999071). An algorithm developed to predict the effect of missense changes on protein structure and function (PolyPhen-2) suggests that this variant is likely to be disruptive. In summary, the available evidence is currently insufficient to determine the role of this variant in disease. Therefore, it has been classified as a Variant of Uncertain Significance.

NM_004304.5(ALK):c.3101C>G (p.Ser1034Trp)

Gene: ALK (ALK receptor tyrosine kinase; minus strand). Cytogenetic location: 2p23.2.
Variant type: single nucleotide variant.
Coding change: c.3101C>G on transcript NM_004304.5 (MANE Select); coding-DNA position 3101, C replaced by G.
Protein change: p.Ser1034Trp; replaces serine 1034 with tryptophan.
Molecular consequence: missense variant.
Genome position (GRCh38, 1-based): chr2:29,225,532, G>C on the plus strand (C>G on the coding strand, the complement: ALK is on the minus strand). VCF-style: chr2-29225532-G-C. GRCh37 (hg19) VCF-style: chr2-29448398-G-C.
Other names: c.3101C>G (NM_004304.4); short protein forms S1034W.
Identifiers: ClinVar variation 999071 (VCV000999071.11), dbSNP rs900240239, ClinGen allele CA346466991.
Genomic context (GRCh38, chr2:29,225,532, plus strand): 5'-CCGGAGAAAGCCAGGACCAGGGCGGCCACGAGGGCAGAGGTCACCACAGAGAGGATCAGC[G>C]AGAGTGGCAGGTGTGGCTCCGGGGTGGGTGACACTGGAAGACAGGTCCCACTGGGGTATT-3'
Protein context (NP_004295.2, residues 1024-1044): SPTPEPHLPL[Ser1034Trp]LILSVVTSAL